The following is an entry in ClinVar:

NM_001127453.2(GSDME):c.47A>T (p.Asp16Val)

Gene: GSDME (gasdermin E; minus strand). Cytogenetic location: 7p15.3.
Variant type: single nucleotide variant.
Coding change: c.47A>T on transcript NM_001127453.2 (MANE Select); coding-DNA position 47, A replaced by T.
Protein change: p.Asp16Val; replaces aspartic acid 16 with valine.
Molecular consequence: missense variant. On other transcripts: intron variant (1).
Genome position (GRCh38, 1-based): chr7:24,749,728, T>A on the plus strand (A>T on the coding strand, the complement: GSDME is on the minus strand). VCF-style: chr7-24749728-T-A. GRCh37 (hg19) VCF-style: chr7-24789347-T-A.
Other names: c.47A>T (NM_004403.2); c.47A>T, p.Asp16Val (NM_004403.3); c.-281-4974A>T (NM_001127454.2); short protein forms D16V.
Identifiers: ClinVar variation 1680848 (VCV001680848.10), dbSNP rs750648073, ClinGen allele CA4191854.

ClinVar aggregate classification (germline): Uncertain significance. Review status: criteria provided, multiple submitters, no conflicts (2 of 4 stars). 3 submissions from 3 submitters: Uncertain significance (3). Last evaluated 2026-02-27.

Conditions:
Inborn genetic diseases. Identifiers: MedGen C0950123, MeSH D030342.

Allele frequency attached by ClinVar (database versions not stated): ExAC 0.00003; gnomAD 0.00007 and 0.00008; gnomAD exomes 0.00007; TOPMed 0.00009.
gnomAD v4.1: 179 of 1,614,092 alleles (0.011%); highest among the groups gnomAD compares: Non-Finnish European, 0.014%; no homozygotes.

Submissions (3):

GeneDx
Classification: Uncertain significance. Last evaluated: 2026-02-27. Review status: criteria provided, single submitter. Criteria: GeneDx Variant Classification Process June 2021. Collection method: clinical testing. Allele origin: germline.
Comment: In silico analysis suggests that this missense variant does not alter protein structure/function; Has not been previously published as pathogenic or benign to our knowledge

Labcorp Genetics (formerly Invitae), Labcorp
Classification: Uncertain significance. Last evaluated: 2025-05-22. Review status: criteria provided, single submitter. Criteria: Invitae Variant Classification Sherloc (09022015). Collection method: clinical testing. Allele origin: germline.
Comment: This sequence change replaces aspartic acid, which is acidic and polar, with valine, which is neutral and non-polar, at codon 16 of the DFNA5 protein (p.Asp16Val). This variant is present in population databases (rs750648073, gnomAD 0.01%). This variant has not been reported in the literature in individuals affected with DFNA5-related conditions. ClinVar contains an entry for this variant (Variation ID: 1680848). Invitae Evidence Modeling of protein sequence and biophysical properties (such as structural, functional, and spatial information, amino acid conservation, physicochemical variation, residue mobility, and thermodynamic stability) indicates that this missense variant is expected to disrupt DFNA5 protein function with a positive predictive value of 80%. In summary, the available evidence is currently insufficient to determine the role of this variant in disease. Therefore, it has been classified as a Variant of Uncertain Significance.

Ambry Genetics
Classification: Uncertain significance for Inborn genetic diseases. Last evaluated: 2021-08-02. Review status: criteria provided, single submitter. Criteria: Ambry Variant Classification Scheme 2023. Collection method: clinical testing. Allele origin: germline.